The following is an entry in ClinVar:

ClinVar aggregate classification (germline): Uncertain significance (1 of 4 stars; one submission).

Conditions:
Hereditary cancer-predisposing syndrome. Also called: Hereditary neoplastic syndrome; Neoplastic Syndromes, Hereditary; Tumor predisposition; Hereditary Cancer Syndrome. Identifiers: Orphanet 140162, MedGen C0027672, MeSH D009386, MONDO:0015356.

Submission:

Ambry Genetics
Classification: Uncertain significance for Hereditary cancer-predisposing syndrome. Last evaluated: 2025-07-05. Review status: criteria provided, single submitter. Criteria: Ambry Variant Classification Scheme 2023. Collection method: clinical testing. Allele origin: germline.
Comment: The p.S1696R variant (also known as c.5088T>G), located in coding exon 15 of the APC gene, results from a T to G substitution at nucleotide position 5088. The serine at codon 1696 is replaced by arginine, an amino acid with dissimilar properties. This amino acid position is conserved. In addition, in silico predictors for this gene do not accurately predict pathogenicity. Based on the available evidence, the clinical significance of this variant remains unclear.

NM_000038.6(APC):c.5088T>G (p.Ser1696Arg)

Gene: APC (APC regulator of Wnt signaling pathway; plus strand). Cytogenetic location: 5q22.2.
Variant type: single nucleotide variant.
Coding change: c.5088T>G on transcript NM_000038.6 (MANE Select); coding-DNA position 5088, T replaced by G.
Protein change: p.Ser1696Arg; replaces serine 1696 with arginine.
Molecular consequence: missense variant. On other transcripts: non-coding transcript variant (2).
Genome position (GRCh38, 1-based): chr5:112,840,682, T>G. VCF-style: chr5-112840682-T-G. GRCh37 (hg19) VCF-style: chr5-112176379-T-G.
Other names: c.4710T>G, p.Ser1570Arg (NM_001354904.2); c.4608T>G, p.Ser1536Arg (NM_001354905.2); c.4239T>G, p.Ser1413Arg (NM_001354906.2, NM_001407470.1); c.5172T>G, p.Ser1724Arg (NM_001407446.1); c.5142T>G, p.Ser1714Arg (NM_001407447.1, NM_001407448.1, NM_001407449.1 and 1 more transcripts); c.5088T>G, p.Ser1696Arg (NM_001407450.1, NM_001127510.3, NM_001354895.2); c.5067T>G, p.Ser1689Arg (NM_001407451.1); c.5058T>G, p.Ser1686Arg (NM_001407452.1); and 11 more; short protein forms S1567R, S1655R, S1686R, S1696R, S1706R, S1312R, S1413R, S1536R.
Identifiers: ClinVar variation 4120771 (VCV004120771.1).